The following is an entry in ClinVar:

ClinVar aggregate classification (germline): Likely benign (1 of 4 stars; one submission).

gnomAD v4.1: 857 of 895,724 alleles (0.096%); highest among the groups gnomAD compares: East Asian, 0.85%; 111 homozygotes.

Submission:

CeGaT Center for Human Genetics Tuebingen
Classification: Likely benign. Last evaluated: 2026-04-01. Review status: criteria provided, single submitter. Criteria: CeGaT Center For Human Genetics Tuebingen Variant Classification Criteria Version 2. Collection method: clinical testing. Allele origin: germline. Affected: yes. Observed: 3 variant alleles.
Comment: MUC4: BS2

NM_018406.7(MUC4):c.12040G>A (p.Ala4014Thr)

Genes: MUC4 (mucin 4, cell surface associated), LOC126806930 (BRD4-independent group 4 enhancer GRCh37_chr3:195505212-195506411). Cytogenetic location: 3q29.
Variant type: single nucleotide variant.
Coding change: c.12040G>A on transcript NM_018406.7 (MANE Select); coding-DNA position 12040, G replaced by A.
Protein change: p.Ala4014Thr; replaces alanine 4014 with threonine.
Molecular consequence: missense variant. On other transcripts: intron variant (2).
Genome position (GRCh38, 1-based): chr3:195,779,540, C>T on the plus strand (G>A on the coding strand, the complement: MUC4 is on the minus strand). VCF-style: chr3-195779540-C-T. GRCh37 (hg19) VCF-style: chr3-195506411-C-T.
Other names: c.83-5235G>A (NM_138297.5); c.83-1085G>A (NM_004532.6); short protein forms A4014T.
Identifiers: ClinVar variation 4083732 (VCV004083732.8).